The following is an entry in ClinVar:

ClinVar aggregate classification (germline): Pathogenic/Likely pathogenic. Review status: criteria provided, multiple submitters, no conflicts (2 of 4 stars). 2 submissions from 2 submitters: Pathogenic (1); Likely pathogenic (1). Last evaluated 2025-11-03.

Conditions:
Neurofibromatosis, type 1 (NF1). Also called: NEUROFIBROMATOSIS, TYPE I, SOMATIC; Peripheral type neurofibromatosis; Neurofibromatosis, type I; VON RECKLINGHAUSEN DISEASE. Identifiers: Orphanet 636, MedGen C0027831, MONDO:0018975, OMIM 162200. Disease mechanism: loss of function.

Submissions (2):

Labcorp Genetics (formerly Invitae), Labcorp
Classification: Pathogenic for Neurofibromatosis, type 1. Last evaluated: 2025-11-03. Review status: criteria provided, single submitter. Criteria: Invitae Variant Classification Sherloc (09022015). Collection method: clinical testing. Allele origin: germline.
Comment: This sequence change replaces leucine, which is neutral and non-polar, with proline, which is neutral and non-polar, at codon 2132 of the NF1 protein (p.Leu2132Pro). This variant is not present in population databases (gnomAD no frequency). This missense change has been observed in individual(s) with clinical features of neurofibromatosis type 1 (internal data). In at least one individual the variant was observed to be de novo. ClinVar contains an entry for this variant (Variation ID: 1408879). Invitae Evidence Modeling of protein sequence and biophysical properties (such as structural, functional, and spatial information, amino acid conservation, physicochemical variation, residue mobility, and thermodynamic stability) indicates that this missense variant is expected to disrupt NF1 protein function with a positive predictive value of 95%. For these reasons, this variant has been classified as Pathogenic.

GeneDx
Classification: Likely pathogenic. Last evaluated: 2024-11-19. Review status: criteria provided, single submitter. Criteria: GeneDx Variant Classification Process June 2021. Collection method: clinical testing. Allele origin: germline. Affected: yes.
Comment: Not observed at significant frequency in large population cohorts (gnomAD); In silico analysis supports that this missense variant has a deleterious effect on protein structure/function; Has not been previously published as pathogenic or benign to our knowledge; This variant is associated with the following publications: (PMID: 23656349)

NM_001042492.3(NF1):c.6458T>C (p.Leu2153Pro)

Gene: NF1 (neurofibromin 1; plus strand). Cytogenetic location: 17q11.2.
Variant type: single nucleotide variant.
Coding change: c.6458T>C on transcript NM_001042492.3 (MANE Select); coding-DNA position 6458, T replaced by C.
Protein change: p.Leu2153Pro; replaces leucine 2153 with proline.
Molecular consequence: missense variant.
Genome position (GRCh38, 1-based): chr17:31,337,398, T>C. VCF-style: chr17-31337398-T-C. GRCh37 (hg19) VCF-style: chr17-29664416-T-C.
Other names: c.6395T>C, p.Leu2132Pro (NM_000267.4); short protein forms L2132P, L2153P.
Identifiers: ClinVar variation 1408879 (VCV001408879.9), dbSNP rs2069704188, ClinGen allele CA399013055.